The following is an entry in ClinVar:

ClinVar aggregate classification (germline): Uncertain significance (1 of 4 stars; one submission).

Submission:

Labcorp Genetics (formerly Invitae), Labcorp
Classification: Uncertain significance. Last evaluated: 2025-09-17. Review status: criteria provided, single submitter. Criteria: Invitae Variant Classification Sherloc (09022015). Collection method: clinical testing. Allele origin: germline.
Comment: This sequence change replaces glutamic acid, which is acidic and polar, with lysine, which is basic and polar, at codon 557 of the WNK4 protein (p.Glu557Lys). This variant is not present in population databases (gnomAD no frequency). This variant has not been reported in the literature in individuals affected with WNK4-related conditions. Invitae Evidence Modeling of protein sequence and biophysical properties (such as structural, functional, and spatial information, amino acid conservation, physicochemical variation, residue mobility, and thermodynamic stability) indicates that this missense variant is not expected to disrupt WNK4 protein function with a negative predictive value of 95%. In summary, the available evidence is currently insufficient to determine the role of this variant in disease. Therefore, it has been classified as a Variant of Uncertain Significance.

NM_032387.5(WNK4):c.1669G>A (p.Glu557Lys)

Gene: WNK4 (WNK lysine deficient protein kinase 4; plus strand). Cytogenetic location: 17q21.2.
Variant type: single nucleotide variant.
Coding change: c.1669G>A on transcript NM_032387.5 (MANE Select); coding-DNA position 1669, G replaced by A.
Protein change: p.Glu557Lys; replaces glutamic acid 557 with lysine.
Molecular consequence: missense variant.
Genome position (GRCh38, 1-based): chr17:42,787,470, G>A. VCF-style: chr17-42787470-G-A. GRCh37 (hg19) VCF-style: chr17-40939488-G-A.
Other names: c.661G>A, p.Glu221Lys (NM_001321299.2); short protein forms E221K, E557K.
Identifiers: ClinVar variation 4800822 (VCV004800822.1).